The following is an entry in ClinVar:

ClinVar aggregate classification (germline): Pathogenic (1 of 4 stars; one submission).

Conditions:
Nemaline myopathy 2 (NEM2). Also called: Nemaline myopathy 2, autosomal recessive. Identifiers: MedGen C1850569, MONDO:0009725, OMIM 256030.

Submission:

Labcorp Genetics (formerly Invitae), Labcorp
Classification: Pathogenic for Nemaline myopathy 2. Last evaluated: 2024-01-29. Review status: criteria provided, single submitter. Criteria: Invitae Variant Classification Sherloc (09022015). Collection method: clinical testing. Allele origin: germline.
Comment: This sequence change creates a premature translational stop signal (p.Arg8424Glyfs*12) in the NEB gene. It is expected to result in an absent or disrupted protein product. Loss-of-function variants in NEB are known to be pathogenic (PMID: 25205138). This variant is not present in population databases (gnomAD no frequency). This variant has not been reported in the literature in individuals affected with NEB-related conditions. For these reasons, this variant has been classified as Pathogenic.

Literature cited by the submitters: PubMed 25205138.

NM_001164508.2(NEB):c.25165del (p.Arg8389fs)

Genes: NEB (nebulin; minus strand), RIF1 (replication timing regulatory factor 1; plus strand). Cytogenetic location: 2q23.3.
Variant type: Deletion.
Coding change: c.25165del on transcript NM_001164508.2 (MANE Select); coding-DNA position 25165, one base deleted (C; older notation c.25165delC).
Protein change: p.Arg8389fs; shifts the reading frame from arginine 8389.
Molecular consequence: frameshift variant.
Genome position (GRCh38, 1-based): chr2:151,490,504, G deleted on the plus strand (C on the coding strand, the reverse complement: NEB is on the minus strand); the first of 2 consecutive G bases (chr2:151,490,504-151,490,505); deleting either gives the same sequence. VCF-style (leftmost placement, unchanged base first): chr2-151490503-CG-C. GRCh37 (hg19) VCF-style: chr2-152347017-CG-C.
Other names: c.25165del, p.Arg8389fs (NM_001164507.2); c.25270del, p.Arg8424fs (NM_001271208.2); c.19597del, p.Arg6533fs (NM_004543.5); short protein forms R6533fs, R8389fs, R8424fs.
Identifiers: ClinVar variation 2714104 (VCV002714104.3), dbSNP rs2551671576, ClinGen allele CA2697551047.
Genomic context (GRCh38, chr2:151,490,503, plus strand): 5'-GACTTCTCCTCACCCCCACTGATGCTTAGTGCACTGGCAGATCGTGACTGCTCCCGGCTC[CG>C]GCGCTGAGCTTGGACTGGGAGAGATGCAGTTGGGGGAGATGTAGCAAACATGAAATTTCT-3'